The following is an entry in ClinVar:

ClinVar aggregate classification (germline): Likely pathogenic (1 of 4 stars; one submission).

Conditions:
alpha Thalassemia. Also called: Alpha thalassemia spectrum. Identifiers: Orphanet 846, MedGen C0002312, MONDO:0011399, OMIM 604131.

Submission:

Natera, Inc.
Classification: Likely pathogenic for Alpha thalassemia. Last evaluated: 2025-08-16. Review status: criteria provided, single submitter. Criteria: Natera Variant Classification Schema (03/2026). Collection method: clinical testing. Allele origin: germline.
Comment: The c.255delinsGG variant in HBA2 is a frameshift variant predicted to elongate the protein beyond the termination codon. This variant is expected to result in nonsense mediated decay, truncation, or a dysfunctional protein product. This variant is rare in the general population with a frequency below the threshold expected for the associated phenotype(s). Given the available evidence, this variant is classified as Likely Pathogenic.

NM_000517.6(HBA2):c.255delinsGG (p.Ser85fs)

Genes: HBA2 (hemoglobin subunit alpha 2; plus strand), LOC106804612 (hemoglobin subunit alpha 2 recombination region; plus strand). Cytogenetic location: 16p13.3.
Variant type: Indel.
Coding change: c.255delinsGG on transcript NM_000517.6 (MANE Select); coding-DNA position 255, C replaced by GG.
Protein change: p.Ser85fs; shifts the reading frame from serine 85.
Molecular consequence: frameshift variant.
Genome position (GRCh38, 1-based): chr16:173,284, C replaced by GG. VCF-style: chr16-173284-C-GG. GRCh37 (hg19) VCF-style: chr16-223283-C-GG.
Other names: short protein forms S85fs.
Identifiers: ClinVar variation 4818652 (VCV004818652.1).